The following is an entry in ClinVar:

NM_000540.3(RYR1):c.4089G>C (p.Ala1363=)

Gene: RYR1 (ryanodine receptor 1; plus strand). Cytogenetic location: 19q13.2.
Variant type: single nucleotide variant.
Coding change: c.4089G>C on transcript NM_000540.3 (MANE Select); coding-DNA position 4089, G replaced by C.
Protein change: p.Ala1363=; no amino-acid change (alanine 1363 retained).
Molecular consequence: synonymous variant.
Genome position (GRCh38, 1-based): chr19:38,473,700, G>C. VCF-style: chr19-38473700-G-C. GRCh37 (hg19) VCF-style: chr19-38964340-G-C.
Other names: c.4089G>C, p.Ala1363= (NM_001042723.2).
Identifiers: ClinVar variation 698726 (VCV000698726.11), dbSNP rs761793739, ClinGen allele CA065531.

ClinVar aggregate classification (germline): Likely benign. Review status: criteria provided, multiple submitters, no conflicts (2 of 4 stars). 2 submissions from 2 submitters: Likely benign (2). Last evaluated 2024-10-30.

Conditions:
RYR1-related disorder. Also called: RYR1-related condition; RYR1-related disorders. Identifiers: MedGen CN239331.
Malignant hyperthermia, susceptibility to, 1 (MHS1). Also called: Anesthesia related hyperthermia; Malignant hyperpyrexia; Fulminating hyperpyrexia; Pharmacogenic myopathy; Malignant hyperthermia suceptibility 1; RYR1-Related Malignant Hyperthermia Susceptibility. Identifiers: Orphanet 423, MedGen C2930980, MONDO:0007783, OMIM 145600.

Allele frequency attached by ClinVar (database versions not stated): gnomAD 0.00002 and 0.00003; TOPMed 0.00002; ExAC 0.00008.
gnomAD v4.1: 19 of 1,549,282 alleles (0.0012%); highest among the groups gnomAD compares: South Asian, 0.006%; no homozygotes.

Submissions (2):

Labcorp Genetics (formerly Invitae), Labcorp
Classification: Likely benign for RYR1-related disorder. Last evaluated: 2024-10-30. Review status: criteria provided, single submitter. Criteria: Invitae Variant Classification Sherloc (09022015). Collection method: clinical testing. Allele origin: germline.

All of Us Research Program, National Institutes of Health
Classification: Likely benign for Malignant hyperthermia, susceptibility to, 1. Last evaluated: 2023-11-30. Review status: criteria provided, single submitter. Criteria: ACMG Guidelines, 2015. Collection method: clinical testing. Allele origin: germline. Inheritance: Autosomal dominant inheritance. Observed: 6 variant alleles, 6 heterozygotes.
Comment: This study involves interpretation of variants in research participants for the purpose of population health screening. Participant phenotype was not available at the time of variant classification. Additional details can be found in publication PMID: 35346344, PMCID: PMC8962531